The following is an entry in ClinVar:

NM_024753.5(TTC21B):c.2734G>C (p.Val912Leu)

Gene: TTC21B (tetratricopeptide repeat domain 21B; minus strand). Cytogenetic location: 2q24.3.
Variant type: single nucleotide variant.
Coding change: c.2734G>C on transcript NM_024753.5 (MANE Select); coding-DNA position 2734, G replaced by C.
Protein change: p.Val912Leu; replaces valine 912 with leucine.
Molecular consequence: missense variant.
Genome position (GRCh38, 1-based): chr2:165,901,745, C>G on the plus strand (G>C on the coding strand, the complement: TTC21B is on the minus strand). VCF-style: chr2-165901745-C-G. GRCh37 (hg19) VCF-style: chr2-166758255-C-G.
Other names: short protein forms V912L.
Identifiers: ClinVar variation 1381628 (VCV001381628.8), dbSNP rs756613993, ClinGen allele CA1941742.

ClinVar aggregate classification (germline): Uncertain significance (1 of 4 stars; one submission).

Conditions:
Nephronophthisis. Also called: Juvenile Nephronophthisis. Identifiers: Orphanet 655, MedGen C0687120, MONDO:0019005, HP:0000090.
Jeune thoracic dystrophy. Also called: Short-rib thoracic dysplasia; Jeune syndrome; Infantile thoracic dystrophy; Thoracic pelvic phalangeal dystrophy; Jeune's syndrome; Chondroectodermal dysplasia-like syndrome. Identifiers: Orphanet 474, MedGen C0265275, MONDO:0018770.

Allele frequency attached by ClinVar (database versions not stated): gnomAD exomes below 0.00001 and 0.00001; ExAC 0.00001.

Submission:

Labcorp Genetics (formerly Invitae), Labcorp
Classification: Uncertain significance for Jeune thoracic dystrophy; Nephronophthisis. Last evaluated: 2021-05-29. Review status: criteria provided, single submitter. Criteria: Invitae Variant Classification Sherloc (09022015). Collection method: clinical testing. Allele origin: germline.
Comment: This variant has not been reported in the literature in individuals with TTC21B-related conditions. This variant is present in population databases (rs756613993, ExAC 0.002%). This sequence change replaces valine with leucine at codon 912 of the TTC21B protein (p.Val912Leu). The valine residue is highly conserved and there is a small physicochemical difference between valine and leucine. In summary, the available evidence is currently insufficient to determine the role of this variant in disease. Therefore, it has been classified as a Variant of Uncertain Significance. Algorithms developed to predict the effect of missense changes on protein structure and function are either unavailable or do not agree on the potential impact of this missense change (SIFT: "Tolerated"; PolyPhen-2: "Possibly Damaging"; Align-GVGD: "Class C0").